The following is an entry in ClinVar:

NM_001303256.3(MORC2):c.239G>A (p.Ser80Asn)

Gene: MORC2 (MORC family CW-type zinc finger 2; minus strand). Cytogenetic location: 22q12.2.
Variant type: single nucleotide variant.
Coding change: c.239G>A on transcript NM_001303256.3 (MANE Select); coding-DNA position 239, G replaced by A.
Protein change: p.Ser80Asn; replaces serine 80 with asparagine.
Molecular consequence: missense variant.
Genome position (GRCh38, 1-based): chr22:30,949,830, C>T on the plus strand (G>A on the coding strand, the complement: MORC2 is on the minus strand). VCF-style: chr22-30949830-C-T. GRCh37 (hg19) VCF-style: chr22-31345816-C-T.
Other names: c.239G>A, p.Ser80Asn (NM_001303257.2); c.53G>A, p.Ser18Asn (NM_014941.3); short protein forms S18N, S80N.
Identifiers: ClinVar variation 958115 (VCV000958115.9), dbSNP rs2040863533, ClinGen allele CA411245291.
Genomic context (GRCh38, chr22:30,949,830, plus strand): 5'-TACTGCCCAATCTGAGTAGACTCAGGTGTTCGCTTGGCCGACTTCCCAAACTGGATCACA[C>T]TGGCAGCATCACCTGAAAGGGCAGACACAAGAGAAAGTGAAAAGTTTGCATTTCTTTCCC-3'
Protein context (NP_001290185.1, residues 70-90): GAGMDPSDAA[Ser80Asn]VIQFGKSAKR

ClinVar aggregate classification (germline): Uncertain significance. Review status: criteria provided, multiple submitters, no conflicts (2 of 4 stars). 2 submissions from 2 submitters: Uncertain significance (2). Last evaluated 2024-09-12.

Conditions:
Charcot-Marie-Tooth disease axonal type 2Z. Also called: CHARCOT-MARIE-TOOTH DISEASE, AXONAL, AUTOSOMAL DOMINANT, TYPE 2Z; CHARCOT-MARIE-TOOTH NEUROPATHY, TYPE 2Z. Identifiers: Orphanet 466768, MedGen C5569025, MONDO:0014736, OMIM 616688.

Submissions (2):

GeneDx
Classification: Uncertain significance. Last evaluated: 2024-09-12. Review status: criteria provided, single submitter. Criteria: GeneDx Variant Classification Process June 2021. Collection method: clinical testing. Allele origin: germline. Affected: yes.
Comment: Not observed at significant frequency in large population cohorts (gnomAD); In silico analysis indicates that this missense variant does not alter protein structure/function; Has not been previously published as pathogenic or benign to our knowledge

Labcorp Genetics (formerly Invitae), Labcorp
Classification: Uncertain significance for Charcot-Marie-Tooth disease axonal type 2Z. Last evaluated: 2020-02-12. Review status: criteria provided, single submitter. Criteria: Invitae Variant Classification Sherloc (09022015). Collection method: clinical testing. Allele origin: germline.
Comment: This variant has not been reported in the literature in individuals with MORC2-related conditions. In summary, the available evidence is currently insufficient to determine the role of this variant in disease. Therefore, it has been classified as a Variant of Uncertain Significance. Algorithms developed to predict the effect of missense changes on protein structure and function (SIFT, PolyPhen-2, Align-GVGD) all suggest that this variant is likely to be tolerated, but these predictions have not been confirmed by published functional studies and their clinical significance is uncertain. This variant is not present in population databases (ExAC no frequency). This sequence change replaces serine with asparagine at codon 80 of the MORC2 protein (p.Ser80Asn). The serine residue is moderately conserved and there is a small physicochemical difference between serine and asparagine.